The following is an entry in ClinVar:

NM_001171155.2(PET100):c.184G>T (p.Glu62Ter)

Genes: PET100 (PET100 cytochrome c oxidase chaperone; plus strand), STXBP2 (syntaxin binding protein 2; plus strand). Cytogenetic location: 19p13.2.
Variant type: single nucleotide variant.
Coding change: c.184G>T on transcript NM_001171155.2 (MANE Select); coding-DNA position 184, G replaced by T.
Protein change: p.Glu62Ter; replaces glutamic acid 62 with a stop codon.
Molecular consequence: nonsense. On other transcripts: non-coding transcript variant (1), intron variant (1).
Genome position (GRCh38, 1-based): chr19:7,631,518, G>T. VCF-style: chr19-7631518-G-T. GRCh37 (hg19) VCF-style: chr19-7696404-G-T.
Other names: c.-60+672G>T (NM_001414484.1); short protein forms E62*.
Identifiers: ClinVar variation 2574320 (VCV002574320.1), dbSNP rs977219926, ClinGen allele CA304898735.
Genomic context (GRCh38, chr19:7,631,518, plus strand): 5'-CTTCTCCACCCCTAGCTTCAAGAGATAGAGGAATTCAAAGAGAGGTTACGGAAGCGGCGG[G>T]AGGAGAAGCTCCTTCGCGACGCCCAGCAGAACTCCTGAGGCCTCCAAGTGGGAGTCCTAG-3'

ClinVar aggregate classification (germline): Uncertain significance (1 of 4 stars; one submission).

Submission:

GeneDx
Classification: Uncertain significance. Last evaluated: 2023-01-25. Review status: criteria provided, single submitter. Criteria: GeneDx Variant Classification Process June 2021. Collection method: clinical testing. Allele origin: germline. Affected: yes.
Comment: Not observed at significant frequency in large population cohorts (gnomAD); Nonsense variant predicted to result in protein truncation as the last 12 amino acids are lost, although loss-of-function variants have not been reported downstream of this position in the protein; Has not been previously published as pathogenic or benign to our knowledge